The following is an entry in ClinVar:

NM_007208.4(MRPL3):c.352G>A (p.Val118Met)

Gene: MRPL3 (mitochondrial ribosomal protein L3; minus strand). Cytogenetic location: 3q22.1.
Variant type: single nucleotide variant.
Coding change: c.352G>A on transcript NM_007208.4 (MANE Select); coding-DNA position 352, G replaced by A.
Protein change: p.Val118Met; replaces valine 118 with methionine.
Molecular consequence: missense variant.
Genome position (GRCh38, 1-based): chr3:131,500,447, C>T on the plus strand (G>A on the coding strand, the complement: MRPL3 is on the minus strand). VCF-style: chr3-131500447-C-T. GRCh37 (hg19) VCF-style: chr3-131219291-C-T.
Other names: short protein forms V118M.
Identifiers: ClinVar variation 4882085 (VCV004882085.2).

ClinVar aggregate classification (germline): Uncertain significance (1 of 4 stars; one submission).

Conditions:
Combined oxidative phosphorylation defect type 9. Identifiers: Orphanet 319509, MedGen C4706315, MONDO:0013811, OMIM 614582.

Submission:

Dasa
Classification: Uncertain significance for Combined oxidative phosphorylation defect type 9. Last evaluated: 2025-08-31. Review status: criteria provided, single submitter. Criteria: DASA Assertion Criteria. Collection method: clinical testing. Allele origin: germline.
Comment: NM_007208.4(MRPL3):c.352G>A (p.Val118Met) is a missense variant that results in the substitution of valine with methionine. This variant is absent from population databases. Computational prediction algorithms are consistent with a benign effect. The currently available literature and clinical evidence are not sufficient to establish a definitive association between this variant and the reported condition. Therefore, this variant is classified as a variant of uncertain significance.